The following is an entry in ClinVar:

ClinVar aggregate classification (germline): Benign/Likely benign. Review status: criteria provided, multiple submitters, no conflicts (2 of 4 stars). 3 submissions from 3 submitters: Benign (1); Likely benign (2). Last evaluated 2026-01-06.

Conditions:
NOTCH2-related disorder. Also called: NOTCH2-related condition.
Hajdu-Cheney syndrome (HJCYS). Also called: ACROOSTEOLYSIS WITH OSTEOPOROSIS AND CHANGES IN SKULL AND MANDIBLE; Acroosteolysis dominant type; SERPENTINE FIBULA-POLYCYSTIC KIDNEY SYNDROME. Identifiers: Orphanet 955, MedGen C0917715, MONDO:0007057, OMIM 102500.

Allele frequency attached by ClinVar (database versions not stated): gnomAD 0.00002 and 0.00003; gnomAD exomes 0.00002 and 0.00011; TOPMed 0.00003; ExAC 0.00010.
gnomAD v4.1: 37 of 1,614,090 alleles (0.0023%); highest among the groups gnomAD compares: East Asian, 0.078%; no homozygotes.

Submissions (3):

PreventionGenetics, part of Exact Sciences
Classification: Likely benign for NOTCH2-related condition. Last evaluated: 2026-01-06. Review status: criteria provided, single submitter. Criteria: ACMG Guidelines, 2015. Collection method: clinical testing. Allele origin: germline.
Comment: This variant is classified as likely benign based on ACMG/AMP sequence variant interpretation guidelines (Richards et al. 2015 PMID: 25741868, with internal and published modifications).

Labcorp Genetics (formerly Invitae), Labcorp
Classification: Benign for Hajdu-Cheney syndrome. Last evaluated: 2025-08-06. Review status: criteria provided, single submitter. Criteria: Invitae Variant Classification Sherloc (09022015). Collection method: clinical testing. Allele origin: germline.

Blueprint Genetics
Classification: Likely benign. Last evaluated: 2024-08-13. Review status: criteria provided, single submitter. Criteria: ACMG Guidelines, 2015. Collection method: clinical testing. Allele origin: germline.

NM_024408.4(NOTCH2):c.6045T>C (p.Phe2015=)

Gene: NOTCH2 (notch receptor 2; minus strand). Cytogenetic location: 1p12.
Variant type: single nucleotide variant.
Coding change: c.6045T>C on transcript NM_024408.4 (MANE Select); coding-DNA position 6045, T replaced by C.
Protein change: p.Phe2015=; no amino-acid change (phenylalanine 2015 retained).
Molecular consequence: synonymous variant.
Genome position (GRCh38, 1-based): chr1:119,916,677, A>G on the plus strand (T>C on the coding strand, the complement: NOTCH2 is on the minus strand). VCF-style: chr1-119916677-A-G. GRCh37 (hg19) VCF-style: chr1-120459300-A-G.
Other names: c.6045T>C (NM_024408.3).
Identifiers: ClinVar variation 1167385 (VCV001167385.11), dbSNP rs766885963, ClinGen allele CA1039500.
Genomic context (GRCh38, chr1:119,916,677, plus strand): 5'-ATTGGCAAAATGGTCTAACAGGATCTTGGCTGCTTCATAGCTCCCCTCCCGGGCAGCAAG[A>G]AACAGAGGTGTCTCTTCCTACAGAAAAGGCCCATCACAGAACACATGTTAATAACACTCT-3'
Protein context (NP_077719.2, residues 2005-2025): MQDNKEETPL[Phe2015=]LAAREGSYEA